The following is an entry in ClinVar:

ClinVar aggregate classification (germline): Uncertain significance (1 of 4 stars; one submission).

Conditions:
Joint laxity, short stature, and myopia. Identifiers: Orphanet 527450, MedGen C4540020, MONDO:0060556, OMIM 617662.

gnomAD v4.1: 1 of 1,612,794 alleles (0.000062%); highest among the groups gnomAD compares: Non-Finnish European, 0.000085%; no homozygotes.

Submission:

Baylor Genetics
Classification: Uncertain significance for Joint laxity, short stature, and myopia. Last evaluated: 2018-12-24. Review status: criteria provided, single submitter. Criteria: ACMG Guidelines, 2015. Collection method: clinical testing. Allele origin: maternal. Affected: yes.
Comment: This variant was determined to be of uncertain significance according to ACMG Guidelines, 2015 [PMID:25741868].

NM_022482.5(GZF1):c.979C>G (p.Leu327Val)

Gene: GZF1 (GDNF inducible zinc finger protein 1; plus strand). Cytogenetic location: 20p11.21.
Variant type: single nucleotide variant.
Coding change: c.979C>G on transcript NM_022482.5 (MANE Select); coding-DNA position 979, C replaced by G.
Protein change: p.Leu327Val; replaces leucine 327 with valine.
Molecular consequence: missense variant.
Genome position (GRCh38, 1-based): chr20:23,365,362, C>G. VCF-style: chr20-23365362-C-G. GRCh37 (hg19) VCF-style: chr20-23345999-C-G.
Other names: c.979C>G, p.Leu327Val (NM_001317012.2, NM_001317019.1); short protein forms L327V.
Identifiers: ClinVar variation 1034008 (VCV001034008.1), dbSNP rs760116028, ClinGen allele CA408410766.